The following is an entry in ClinVar:

ClinVar aggregate classification (germline): Uncertain significance. Review status: criteria provided, multiple submitters, no conflicts (2 of 4 stars). 2 submissions from 2 submitters: Uncertain significance (2). Last evaluated 2025-02-03.

Conditions:
Hereditary pancreatitis (PCTT). Also called: PRSS1-Related Hereditary Pancreatitis; Hereditary chronic pancreatitis. Identifiers: Orphanet 676, MedGen C0238339, MONDO:0008185, OMIM 167800.

Allele frequency attached by ClinVar (database versions not stated): gnomAD exomes 0.00001.
gnomAD v4.1: 3 of 1,613,680 alleles (0.00019%); highest among the groups gnomAD compares: East Asian, 0.0045%; no homozygotes.

Submissions (2):

Ambry Genetics
Classification: Uncertain significance for Hereditary pancreatitis. Last evaluated: 2025-02-03. Review status: criteria provided, single submitter. Criteria: Ambry Variant Classification Scheme 2023. Collection method: clinical testing. Allele origin: germline.
Comment: The p.I6F variant (also known as c.16A>T), located in coding exon 1 of the SPINK1 gene, results from an A to T substitution at nucleotide position 16. The isoleucine at codon 6 is replaced by phenylalanine, an amino acid with highly similar properties. This amino acid position is well conserved in available vertebrate species. In addition, this alteration is predicted to be tolerated by in silico analysis. Based on the available evidence, the clinical significance of this variant remains unclear.

Labcorp Genetics (formerly Invitae), Labcorp
Classification: Uncertain significance for Hereditary pancreatitis. Last evaluated: 2023-04-12. Review status: criteria provided, single submitter. Criteria: Invitae Variant Classification Sherloc (09022015). Collection method: clinical testing. Allele origin: germline.
Comment: In summary, the available evidence is currently insufficient to determine the role of this variant in disease. Therefore, it has been classified as a Variant of Uncertain Significance. An algorithm developed to predict the effect of missense changes on protein structure and function (PolyPhen-2) suggests that this variant is likely to be tolerated. This variant has not been reported in the literature in individuals affected with SPINK1-related conditions. This variant is present in population databases (no rsID available, gnomAD 0.01%). This sequence change replaces isoleucine, which is neutral and non-polar, with phenylalanine, which is neutral and non-polar, at codon 6 of the SPINK1 protein (p.Ile6Phe).

NM_001379610.1(SPINK1):c.16A>T (p.Ile6Phe)

Gene: SPINK1 (serine peptidase inhibitor Kazal type 1; minus strand). Cytogenetic location: 5q32.
Variant type: single nucleotide variant.
Coding change: c.16A>T on transcript NM_001379610.1 (MANE Select); coding-DNA position 16, A replaced by T.
Protein change: p.Ile6Phe; replaces isoleucine 6 with phenylalanine.
Molecular consequence: missense variant.
Genome position (GRCh38, 1-based): chr5:147,831,562, T>A on the plus strand (A>T on the coding strand, the complement: SPINK1 is on the minus strand). VCF-style: chr5-147831562-T-A. GRCh37 (hg19) VCF-style: chr5-147211125-T-A.
Other names: c.16A>T (NM_003122.3); c.16A>T, p.Ile6Phe (NM_001354966.2, NM_003122.5); short protein forms I6F.
Identifiers: ClinVar variation 2755400 (VCV002755400.4), dbSNP rs1459566836, ClinGen allele CA361885560.
Genomic context (GRCh38, chr5:147,831,562, plus strand): 5'-TGAAAAATATGCAACACTTACCAGATAGACTCAACAGGGCCAAGGCACTGAGAAGAAAGA[T>A]GCCTGTTACCTTCATGGCTGAAGTTCTGCGTCCAGAGGTCAGTTGAAAACTGCACCGCAC-3'
Protein context (NP_001366539.1, residues 1-16): MKVTG[Ile6Phe]FLLSALALLS